The following is an entry in ClinVar:

NM_000350.3(ABCA4):c.3409A>G (p.Arg1137Gly)

Gene: ABCA4 (ATP binding cassette subfamily A member 4; minus strand). Cytogenetic location: 1p22.1.
Variant type: single nucleotide variant.
Coding change: c.3409A>G on transcript NM_000350.3 (MANE Select); coding-DNA position 3409, A replaced by G.
Protein change: p.Arg1137Gly; replaces arginine 1137 with glycine.
Molecular consequence: missense variant.
Genome position (GRCh38, 1-based): chr1:94,041,322, T>C on the plus strand (A>G on the coding strand, the complement: ABCA4 is on the minus strand). VCF-style: chr1-94041322-T-C. GRCh37 (hg19) VCF-style: chr1-94506878-T-C.
Other names: c.3187A>G, p.Arg1063Gly (NM_001425324.1); short protein forms R1137G, R1063G.
Identifiers: ClinVar variation 1005368 (VCV001005368.9), dbSNP rs765328414, ClinGen allele CA26863669.

ClinVar aggregate classification (germline): Conflicting classifications of pathogenicity. Review status: criteria provided, conflicting classifications (1 of 4 stars). 3 submissions from 3 submitters: Likely pathogenic (2); Uncertain significance (1). Last evaluated 2025-05-27.

Conditions:
Retinal dystrophy. Also called: Inherited retinal dystrophy. Identifiers: Orphanet 71862, MedGen C0854723, MeSH D058499, MONDO:0019118, HP:0000556.

Allele frequency attached by ClinVar (database versions not stated): gnomAD exomes below 0.00001 and 0.00001; TOPMed below 0.00001; gnomAD 0.00001.
gnomAD v4.1: 18 of 1,614,022 alleles (0.0011%); highest among the groups gnomAD compares: Middle Eastern, 0.016%; no homozygotes.

Submissions (3):

Labcorp Genetics (formerly Invitae), Labcorp
Classification: Likely pathogenic. Last evaluated: 2025-05-27. Review status: criteria provided, single submitter. Criteria: Invitae Variant Classification Sherloc (09022015). Collection method: clinical testing. Allele origin: germline.
Comment: This sequence change replaces arginine, which is basic and polar, with glycine, which is neutral and non-polar, at codon 1137 of the ABCA4 protein (p.Arg1137Gly). This variant is present in population databases (rs765328414, gnomAD 0.0009%). This missense change has been observed in individual(s) with retinopathy and/or Stargardt disease (PMID: 30060493, 32619608, 37498587). In at least one individual the data is consistent with being in trans (on the opposite chromosome) from a pathogenic variant. ClinVar contains an entry for this variant (Variation ID: 1005368). Invitae Evidence Modeling of protein sequence and biophysical properties (such as structural, functional, and spatial information, amino acid conservation, physicochemical variation, residue mobility, and thermodynamic stability) has been performed for this missense variant. However, the output from this modeling did not meet the statistical confidence thresholds required to predict the impact of this variant on ABCA4 protein function. In summary, the currently available evidence indicates that the variant is pathogenic, but additional data are needed to prove that conclusively. Therefore, this variant has been classified as Likely Pathogenic.

Institute of Human Genetics, Univ. Regensburg, Univ. Regensburg
Classification: Likely pathogenic for Retinal dystrophy. Last evaluated: 2020-01-01. Review status: criteria provided, single submitter. Criteria: ACMG Guidelines, 2015. Collection method: clinical testing. Allele origin: germline. Affected: yes.

GeneDx
Classification: Uncertain significance. Last evaluated: 2019-04-16. Review status: criteria provided, single submitter. Criteria: GeneDx Variant Classification Process June 2021. Collection method: clinical testing. Allele origin: germline. Affected: yes.
Comment: Not observed at a significant frequency in large population cohorts (Lek et al., 2016); In silico analysis, which includes protein predictors and evolutionary conservation, supports a deleterious effect; This variant is associated with the following publications: (PMID: 30060493, 32619608)

Literature cited by the submitters: PubMed 30060493 (cited by Labcorp Genetics (formerly Invitae), Labcorp and Institute of Human Genetics, Univ. Regensburg, Univ. Regensburg); PubMed 32619608 (cited by Labcorp Genetics (formerly Invitae), Labcorp and Institute of Human Genetics, Univ. Regensburg, Univ. Regensburg); PubMed 37498587 (cited by Labcorp Genetics (formerly Invitae), Labcorp); PubMed 35119454 (cited by Institute of Human Genetics, Univ. Regensburg, Univ. Regensburg).